The following is an entry in ClinVar:

ClinVar aggregate classification (germline): Likely benign (1 of 4 stars; one submission).

Submission:

CeGaT Center for Human Genetics Tuebingen
Classification: Likely benign. Last evaluated: 2026-05-01. Review status: criteria provided, single submitter. Criteria: CeGaT Center For Human Genetics Tuebingen Variant Classification Criteria Version 2. Collection method: clinical testing. Allele origin: germline. Affected: yes. Observed: 1 variant allele.
Comment: RHOBTB2: BP4, BP7

NM_015178.3(RHOBTB2):c.696C>T (p.Pro232=)

Gene: RHOBTB2 (Rho related BTB domain containing 2; plus strand). Cytogenetic location: 8p21.3.
Variant type: single nucleotide variant.
Coding change: c.696C>T on transcript NM_015178.3 (MANE Select); coding-DNA position 696, C replaced by T.
Protein change: p.Pro232=; no amino-acid change (proline 232 retained).
Molecular consequence: synonymous variant.
Genome position (GRCh38, 1-based): chr8:23,006,941, C>T. VCF-style: chr8-23006941-C-T. GRCh37 (hg19) VCF-style: chr8-22864454-C-T.
Other names: c.762C>T, p.Pro254= (NM_001160036.2); c.717C>T, p.Pro239= (NM_001160037.2); c.696C>T, p.Pro232= (NM_001374791.1).
Identifiers: ClinVar variation 4873442 (VCV004873442.2).